The following is an entry in ClinVar:

ClinVar aggregate classification (germline): Pathogenic. Review status: criteria provided, single submitter (1 of 4 stars). 2 submissions from 2 submitters: Pathogenic (1). 1 of the submissions does not count toward it. Last evaluated 2022-12-06.

Conditions:
Microphthalmia, isolated, with coloboma 10 (MCOPCB10). Also called: MICROPHTHALMIA/COLOBOMA 10. Identifiers: Orphanet 98938, MedGen C4225330, MONDO:0014635, OMIM 616428.
Bilateral microphthalmos. Identifiers: MedGen C1843496, HP:0007633.

Allele frequency attached by ClinVar (database versions not stated): gnomAD exomes below 0.00001.
gnomAD v4.1: 1 of 1,610,624 alleles (0.000062%); highest among the groups gnomAD compares: Non-Finnish European, 0.000085%; no homozygotes.

Submissions (2):

Genetics Department, University Hospital of Toulouse
Classification: Pathogenic for Bilateral microphthalmos. Last evaluated: 2022-12-06. Review status: criteria provided, single submitter. Criteria: ACMG Guidelines, 2015. Collection method: clinical testing. Allele origin: germline. Affected: yes. Observed: 2 variant alleles.
Comment: PS1, PM1, PM2, PP2, PP3

OMIM
Classification: Pathogenic for MICROPHTHALMIA/COLOBOMA 10. Last evaluated: 2015-04-23. Review status: no assertion criteria provided. Collection method: literature only. Allele origin: germline. Not counted in ClinVar's aggregate classification.

Literature cited by the submitters: PubMed 25910211 (cited by Genetics Department, University Hospital of Toulouse and OMIM).

NM_006744.4(RBP4):c.217G>A (p.Ala73Thr)

Gene: RBP4 (retinol binding protein 4; minus strand). Cytogenetic location: 10q23.33.
Variant type: single nucleotide variant.
Coding change: c.217G>A on transcript NM_006744.4 (MANE Select); coding-DNA position 217, G replaced by A.
Protein change: p.Ala73Thr; replaces alanine 73 with threonine.
Molecular consequence: missense variant.
Genome position (GRCh38, 1-based): chr10:93,600,698, C>T on the plus strand (G>A on the coding strand, the complement: RBP4 is on the minus strand). VCF-style: chr10-93600698-C-T. GRCh37 (hg19) VCF-style: chr10-95360455-C-T.
Other names: c.217G>A, p.Ala73Thr (NM_001323517.1); c.211G>A, p.Ala71Thr (NM_001323518.2); short protein forms A73T, A71T.
Identifiers: ClinVar variation 192377 (VCV000192377.32), dbSNP rs794726862, ClinGen allele CA200227.